The following is an entry in ClinVar:

ClinVar aggregate classification (germline): Uncertain significance. Review status: criteria provided, multiple submitters, no conflicts (2 of 4 stars). 3 submissions from 3 submitters: Uncertain significance (3). Last evaluated 2024-11-30.

Conditions:
Acute myeloid leukemia (AML). Also called: Acute myeloid leukemia, adult; AML adult; Acute non-lymphocytic leukemia; Acute granulocytic leukemia; Leukemia, acute myelogenous, somatic; Leukemia, acute myeloid, somatic. Identifiers: Orphanet 519, MedGen C0023467, MeSH D015470, MONDO:0018874, OMIM 601626, HP:0004808. Disease mechanism: Constitutively activated FLT3.
Inborn genetic diseases. Identifiers: MedGen C0950123, MeSH D030342.
Deafness-lymphedema-leukemia syndrome. Also called: Lymphedema, primary, with myelodysplasia; Emberger syndrome. Identifiers: Orphanet 3226, MedGen C3279664, MONDO:0013540, OMIM 614038.
Monocytopenia with susceptibility to infections. Also called: Dendritic cell, monocyte, B lymphocyte, and natural killer lymphocyte deficiency; MONOCYTOPENIA AND MYCOBACTERIAL INFECTION SYNDROME; MONOCYTOPENIA WITH SUSCEPTIBILITY TO MYCOBACTERIAL, FUNGAL, AND PAPILLOMAVIRUS INFECTIONS AND MYELODYSPLASIA; COMBINED IMMUNODEFICIENCY WITH SUSCEPTIBILITY TO MYCOBACTERIAL, VIRAL, AND FUNGAL INFECTIONS; GATA2 DEFICIENCY; IMMUNODEFICIENCY 21. Identifiers: Orphanet 228423, MedGen C3280030, MONDO:0013607, OMIM 614172.

Allele frequency attached by ClinVar (database versions not stated): gnomAD 0.00001; TOPMed 0.00001.

Submissions (3):

Ambry Genetics
Classification: Uncertain significance for Inborn genetic diseases. Last evaluated: 2024-11-30. Review status: criteria provided, single submitter. Criteria: Ambry Variant Classification Scheme 2023. Collection method: clinical testing. Allele origin: germline.
Comment: The p.A286T variant (also known as c.856G>A), located in coding exon 2 of the GATA2 gene, results from a G to A substitution at nucleotide position 856. The alanine at codon 286 is replaced by threonine, an amino acid with similar properties. This amino acid position is conserved. In addition, this alteration is predicted to be tolerated by in silico analysis. Based on the available evidence, the clinical significance of this variant remains unclear.

Labcorp Genetics (formerly Invitae), Labcorp
Classification: Uncertain significance for Monocytopenia with susceptibility to infections; Deafness-lymphedema-leukemia syndrome. Last evaluated: 2024-07-19. Review status: criteria provided, single submitter. Criteria: Invitae Variant Classification Sherloc (09022015). Collection method: clinical testing. Allele origin: germline.
Comment: This sequence change replaces alanine, which is neutral and non-polar, with threonine, which is neutral and polar, at codon 286 of the GATA2 protein (p.Ala286Thr). This variant is not present in population databases (gnomAD no frequency). This variant has not been reported in the literature in individuals affected with GATA2-related conditions. ClinVar contains an entry for this variant (Variation ID: 1000920). Advanced modeling of protein sequence and biophysical properties (such as structural, functional, and spatial information, amino acid conservation, physicochemical variation, residue mobility, and thermodynamic stability) performed at Invitae indicates that this missense variant is not expected to disrupt GATA2 protein function with a negative predictive value of 95%. In summary, the available evidence is currently insufficient to determine the role of this variant in disease. Therefore, it has been classified as a Variant of Uncertain Significance.

Baylor Genetics
Classification: Uncertain significance for Acute myeloid leukemia. Last evaluated: 2023-10-06. Review status: criteria provided, single submitter. Criteria: ACMG Guidelines, 2015. Collection method: clinical testing. Allele origin: unknown.

NM_032638.5(GATA2):c.856G>A (p.Ala286Thr)

Gene: GATA2 (GATA binding protein 2; minus strand). Cytogenetic location: 3q21.3.
Variant type: single nucleotide variant.
Coding change: c.856G>A on transcript NM_032638.5 (MANE Select); coding-DNA position 856, G replaced by A.
Protein change: p.Ala286Thr; replaces alanine 286 with threonine.
Molecular consequence: missense variant.
Genome position (GRCh38, 1-based): chr3:128,485,742, C>T on the plus strand (G>A on the coding strand, the complement: GATA2 is on the minus strand). VCF-style: chr3-128485742-C-T. GRCh37 (hg19) VCF-style: chr3-128204585-C-T.
Other names: c.856G>A, p.Ala286Thr (NM_001145661.2, NM_001145662.1); c.856G>A (NM_032638.4); short protein forms A286T.
Identifiers: ClinVar variation 1000920 (VCV001000920.10), dbSNP rs1443864030, ClinGen allele CA354405117.
Genomic context (GRCh38, chr3:128,485,742, plus strand): 5'-GCAAATGCTCCCCTCTTCCACGAAGTCCCCAGCACCTGCCTTTACCTGAACAGGAACGAG[C>T]CTTGCTGCGCTGCTTAGGGGTGAAGCTGGAGGCCGGTCCCCCCAGGAAGCCTCCGGGGTG-3'
Protein context (NP_116027.2, residues 276-296): SSFTPKQRSK[Ala286Thr]RSCSEGRECV